The following is an entry in ClinVar:

NM_001999.4(FBN2):c.1347T>G (p.Asn449Lys)

Gene: FBN2 (fibrillin 2; minus strand). Cytogenetic location: 5q23.3.
Variant type: single nucleotide variant.
Coding change: c.1347T>G on transcript NM_001999.4 (MANE Select); coding-DNA position 1347, T replaced by G.
Protein change: p.Asn449Lys; replaces asparagine 449 with lysine.
Molecular consequence: missense variant.
Genome position (GRCh38, 1-based): chr5:128,393,253, A>C on the plus strand (T>G on the coding strand, the complement: FBN2 is on the minus strand). VCF-style: chr5-128393253-A-C. GRCh37 (hg19) VCF-style: chr5-127728946-A-C.
Other names: short protein forms N449K.
Identifiers: ClinVar variation 2563251 (VCV002563251.2), dbSNP rs2479437576, ClinGen allele CA360749441.

ClinVar aggregate classification (germline): Uncertain significance (1 of 4 stars; one submission).

Conditions:
Familial thoracic aortic aneurysm and aortic dissection (TAAD). Also called: Thoracic aortic aneurysms and dissections. Identifiers: Orphanet 91387, MedGen C4707243, MONDO:0019625.

Submission:

Ambry Genetics
Classification: Uncertain significance for Familial thoracic aortic aneurysm and aortic dissection. Last evaluated: 2023-05-10. Review status: criteria provided, single submitter. Criteria: Ambry Variant Classification Scheme 2023. Collection method: clinical testing. Allele origin: germline.
Comment: The p.N449K variant (also known as c.1347T>G), located in coding exon 10 of the FBN2 gene, results from a T to G substitution at nucleotide position 1347. The asparagine at codon 449 is replaced by lysine, an amino acid with similar properties. This amino acid position is highly conserved in available vertebrate species. In addition, this alteration is predicted to be tolerated by in silico analysis. Since supporting evidence is limited at this time, the clinical significance of this alteration remains unclear.